The following is an entry in ClinVar:

NM_014141.6(CNTNAP2):c.1175A>T (p.Gln392Leu)

Gene: CNTNAP2 (contactin associated protein 2; plus strand). Cytogenetic location: 7q35.
Variant type: single nucleotide variant.
Coding change: c.1175A>T on transcript NM_014141.6 (MANE Select); coding-DNA position 1175, A replaced by T.
Protein change: p.Gln392Leu; replaces glutamine 392 with leucine.
Molecular consequence: missense variant.
Genome position (GRCh38, 1-based): chr7:147,132,336, A>T. VCF-style: chr7-147132336-A-T. GRCh37 (hg19) VCF-style: chr7-146829428-A-T.
Other names: short protein forms Q392L.
Identifiers: ClinVar variation 536328 (VCV000536328.9), dbSNP rs1554441866, ClinGen allele CA369924639.

ClinVar aggregate classification (germline): Uncertain significance (1 of 4 stars; one submission).

Conditions:
Cortical dysplasia-focal epilepsy syndrome (PTHSL1). Also called: Pitt-Hopkins-like syndrome 1. Identifiers: Orphanet 163681, Orphanet 221150, MedGen C2750246, MONDO:0012400, OMIM 610042.

Allele frequency attached by ClinVar (database versions not stated): gnomAD exomes below 0.00001.
gnomAD v4.1: 1 of 1,613,770 alleles (0.000062%); highest among the groups gnomAD compares: Non-Finnish European, 0.000085%; no homozygotes.

Submission:

Labcorp Genetics (formerly Invitae), Labcorp
Classification: Uncertain significance for Cortical dysplasia-focal epilepsy syndrome. Last evaluated: 2021-05-11. Review status: criteria provided, single submitter. Criteria: Invitae Variant Classification Sherloc (09022015). Collection method: clinical testing. Allele origin: germline.
Comment: In summary, the available evidence is currently insufficient to determine the role of this variant in disease. Therefore, it has been classified as a Variant of Uncertain Significance. Algorithms developed to predict the effect of missense changes on protein structure and function (SIFT, PolyPhen-2, Align-GVGD) all suggest that this variant is likely to be tolerated, but these predictions have not been confirmed by published functional studies and their clinical significance is uncertain. This variant has not been reported in the literature in individuals with CNTNAP2-related disease. This variant is not present in population databases (ExAC no frequency). This sequence change replaces glutamine with leucine at codon 392 of the CNTNAP2 protein (p.Gln392Leu). The glutamine residue is weakly conserved and there is a moderate physicochemical difference between glutamine and leucine.